The following is an entry in ClinVar:

NM_002529.4(NTRK1):c.1796G>A (p.Arg599His)

Gene: NTRK1 (neurotrophic receptor tyrosine kinase 1; plus strand). Cytogenetic location: 1q23.1.
Variant type: single nucleotide variant.
Coding change: c.1796G>A on transcript NM_002529.4 (MANE Select); coding-DNA position 1796, G replaced by A.
Protein change: p.Arg599His; replaces arginine 599 with histidine.
Molecular consequence: missense variant.
Genome position (GRCh38, 1-based): chr1:156,876,563, G>A. VCF-style: chr1-156876563-G-A. GRCh37 (hg19) VCF-style: chr1-156846355-G-A.
Other names: c.1796G>A (NM_002529.3); c.1688G>A, p.Arg563His (NM_001007792.1); c.1778G>A, p.Arg593His (NM_001012331.2); short protein forms R563H, R593H, R599H.
Identifiers: ClinVar variation 526720 (VCV000526720.17), dbSNP rs775718859, ClinGen allele CA1169469.

ClinVar aggregate classification (germline): Conflicting classifications of pathogenicity. Review status: criteria provided, conflicting classifications (1 of 4 stars). 4 submissions from 4 submitters: Uncertain significance (2); Likely benign (1). 1 of the submissions does not count toward it. Last evaluated 2025-11-13.

Conditions:
NTRK1-related disorder. Also called: NTRK1-related condition.
Inborn genetic diseases. Identifiers: MedGen C0950123, MeSH D030342.
Hereditary insensitivity to pain with anhidrosis (CIPA). Also called: INSENSITIVITY TO PAIN, CONGENITAL, WITH ANHIDROSIS; NTRK1 Congenital Insensitivity to Pain with Anhidrosis; hereditary sensory and autonomic neuropathy type 4; HSAN Type IV; FAMILIAL DYSAUTONOMIA, TYPE II; NEUROPATHY, CONGENITAL SENSORY, WITH ANHIDROSIS. Identifiers: Orphanet 642, MedGen C0020074, MONDO:0009746, OMIM 256800.

Allele frequency attached by ClinVar (database versions not stated): gnomAD 0.00003 and 0.00004; TOPMed 0.00005.
gnomAD v4.1: 48 of 1,611,750 alleles (0.003%); highest among the groups gnomAD compares: African/African-American, 0.004%; no homozygotes.

Submissions (4):

Ambry Genetics
Classification: Uncertain significance for Inborn genetic diseases. Last evaluated: 2025-11-13. Review status: criteria provided, single submitter. Criteria: Ambry Variant Classification Scheme 2023. Collection method: clinical testing. Allele origin: germline.

PreventionGenetics, part of Exact Sciences
Classification: Uncertain significance for NTRK1-related condition. Last evaluated: 2025-09-26. Review status: criteria provided, single submitter. Criteria: ACMG Guidelines, 2015. Collection method: clinical testing. Allele origin: germline.
Comment: The NTRK1 c.1796G>A variant is predicted to result in the amino acid substitution p.Arg599His. To our knowledge, this variant has not been reported in the literature. This variant is reported in 0.078% of alleles in individuals of Ashkenazi Jewish descent in gnomAD. Although we suspect that this variant may be benign, at this time, the clinical significance of this variant is uncertain due to the absence of conclusive functional and genetic evidence.

Labcorp Genetics (formerly Invitae), Labcorp
Classification: Likely benign for Hereditary insensitivity to pain with anhidrosis. Last evaluated: 2025-07-30. Review status: criteria provided, single submitter. Criteria: Invitae Variant Classification Sherloc (09022015). Collection method: clinical testing. Allele origin: germline.

Natera, Inc.
Classification: Uncertain significance for Hereditary insensitivity to pain with anhidrosis. Last evaluated: 2019-11-11. Review status: no assertion criteria provided. Collection method: clinical testing. Allele origin: germline. Not counted in ClinVar's aggregate classification.